The following is an entry in ClinVar:

NM_144572.2(TBC1D2B):c.2456A>G (p.Gln819Arg)

Gene: TBC1D2B (TBC1 domain family member 2B; minus strand). Cytogenetic location: 15q25.1.
Variant type: single nucleotide variant.
Coding change: c.2456A>G on transcript NM_144572.2 (MANE Select); coding-DNA position 2456, A replaced by G.
Protein change: p.Gln819Arg; replaces glutamine 819 with arginine.
Molecular consequence: missense variant.
Genome position (GRCh38, 1-based): chr15:78,003,423, T>C on the plus strand (A>G on the coding strand, the complement: TBC1D2B is on the minus strand). VCF-style: chr15-78003423-T-C. GRCh37 (hg19) VCF-style: chr15-78295765-T-C.
Other names: c.2456A>G, p.Gln819Arg (NM_001387142.1, NM_001387144.1, NM_015079.6); c.2453A>G, p.Gln818Arg (NM_001387143.1); c.2120A>G, p.Gln707Arg (NM_001387145.1, NM_001387146.1, NM_001387147.1 and 1 more transcripts); c.2006A>G, p.Gln669Arg (NM_001387149.1); short protein forms Q819R, Q669R, Q707R, Q818R.
Identifiers: ClinVar variation 713527 (VCV000713527.28), dbSNP rs138988358, ClinGen allele CA7679220.

ClinVar aggregate classification (germline): Likely benign. Review status: criteria provided, multiple submitters, no conflicts (2 of 4 stars). 3 submissions from 3 submitters: Likely benign (3). Last evaluated 2026-06-01.

Allele frequency attached by ClinVar (database versions not stated): gnomAD exomes 0.00135 and 0.00225; ExAC 0.00182; ESP Exome Variant Server 0.00247; gnomAD 0.00293; TOPMed 0.00298; 1000 Genomes Project 30x 0.00344; 1000 Genomes Project 0.00359.
gnomAD v4.1: 2,558 of 1,613,502 alleles (0.16%); highest among the groups gnomAD compares: Middle Eastern, 0.87%; 14 homozygotes.

Submissions (3):

CeGaT Center for Human Genetics Tuebingen
Classification: Likely benign. Last evaluated: 2026-06-01. Review status: criteria provided, single submitter. Criteria: CeGaT Center For Human Genetics Tuebingen Variant Classification Criteria Version 2. Collection method: clinical testing. Allele origin: germline. Affected: yes. Observed: 6 variant alleles.
Comment: TBC1D2B: BS2

Labcorp Genetics (formerly Invitae), Labcorp
Classification: Likely benign. Last evaluated: 2018-04-16. Review status: criteria provided, single submitter. Criteria: Invitae Variant Classification Sherloc (09022015). Collection method: clinical testing. Allele origin: germline.

Breakthrough Genomics
Classification: Likely benign. Review status: criteria provided, single submitter. Criteria: ACMG Guidelines, 2015. Collection method: not provided. Allele origin: germline. Inheritance: Autosomal recessive inheritance. Affected: yes.